The following is an entry in ClinVar:

NM_000374.5(UROD):c.199G>T (p.Glu67Ter)

Gene: UROD (uroporphyrinogen decarboxylase; plus strand). Cytogenetic location: 1p34.1.
Variant type: single nucleotide variant.
Coding change: c.199G>T on transcript NM_000374.5 (MANE Select); coding-DNA position 199, G replaced by T.
Protein change: p.Glu67Ter; replaces glutamic acid 67 with a stop codon.
Molecular consequence: nonsense. On other transcripts: non-coding transcript variant (3).
Genome position (GRCh38, 1-based): chr1:45,013,201, G>T. VCF-style: chr1-45013201-G-T. GRCh37 (hg19) VCF-style: chr1-45478873-G-T.
Other names: p.Glu67*; short protein forms E67*.
Identifiers: ClinVar variation 1070401 (VCV001070401.8), dbSNP rs763086647, ClinGen allele CA825164.

ClinVar aggregate classification (germline): Pathogenic/Likely pathogenic. Review status: criteria provided, multiple submitters, no conflicts (2 of 4 stars). 2 submissions from 2 submitters: Pathogenic (1); Likely pathogenic (1). Last evaluated 2022-06-30.

Allele frequency attached by ClinVar (database versions not stated): TOPMed 0.00002; ExAC 0.00005; gnomAD exomes 0.00005.
gnomAD v4.1: 12 of 1,614,194 alleles (0.00074%); highest among the groups gnomAD compares: Admixed American, 0.02%; no homozygotes.

Submissions (2):

Mayo Clinic Laboratories, Mayo Clinic
Classification: Likely pathogenic. Last evaluated: 2022-06-30. Review status: criteria provided, single submitter. Criteria: ACMG Guidelines, 2015. Collection method: clinical testing. Allele origin: germline. Observed: 1 variant allele.
Comment: PM2, PVS1

Labcorp Genetics (formerly Invitae), Labcorp
Classification: Pathogenic. Last evaluated: 2018-02-14. Review status: criteria provided, single submitter. Criteria: Invitae Variant Classification Sherloc (09022015). Collection method: clinical testing. Allele origin: germline.
Comment: For these reasons, this variant has been classified as Pathogenic. Loss-of-function variants in UROD are known to be pathogenic (PMID: 1634232, 17240319, 19233912, 19419417, 23545314). This variant has not been reported in the literature in individuals with UROD-related disease. This variant is present in population databases (rs763086647, ExAC 0.05%). This sequence change creates a premature translational stop signal (p.Glu67*) in the UROD gene. It is expected to result in an absent or disrupted protein product.

Literature cited by the submitters: PubMed 1634232 (cited by Labcorp Genetics (formerly Invitae), Labcorp); PubMed 17240319 (cited by Labcorp Genetics (formerly Invitae), Labcorp); PubMed 19233912 (cited by Labcorp Genetics (formerly Invitae), Labcorp); PubMed 19419417 (cited by Labcorp Genetics (formerly Invitae), Labcorp); PubMed 23545314 (cited by Labcorp Genetics (formerly Invitae), Labcorp).